The following is an entry in ClinVar:

ClinVar aggregate classification (germline): Likely pathogenic (1 of 4 stars; one submission).

Conditions:
Deficiency of acetyl-CoA acetyltransferase. Also called: Beta-ketothiolase deficiency; MITOCHONDRIAL ACETOACETYL-CoA THIOLASE DEFICIENCY; 3-KETOTHIOLASE DEFICIENCY; 3-OXOTHIOLASE DEFICIENCY. Identifiers: Orphanet 134, MedGen C1536500, MONDO:0008760, OMIM 203750. Disease mechanism: loss of function.

Submission:

Labcorp Genetics (formerly Invitae), Labcorp
Classification: Likely pathogenic for Deficiency of acetyl-CoA acetyltransferase. Last evaluated: 2022-10-19. Review status: criteria provided, single submitter. Criteria: Invitae Variant Classification Sherloc (09022015). Collection method: clinical testing. Allele origin: germline.
Comment: This sequence change falls in intron 9 of the ACAT1 gene. It does not directly change the encoded amino acid sequence of the ACAT1 protein. It affects a nucleotide within the consensus splice site. This variant is not present in population databases (gnomAD no frequency). This variant has been observed in individual(s) with beta-ketothiolase deficiency (Invitae). In at least one individual the data is consistent with being in trans (on the opposite chromosome) from a pathogenic variant. ClinVar contains an entry for this variant (Variation ID: 1499674). Variants that disrupt the consensus splice site are a relatively common cause of aberrant splicing (PMID: 17576681, 9536098). Algorithms developed to predict the effect of sequence changes on RNA splicing suggest that this variant may disrupt the consensus splice site. In summary, the currently available evidence indicates that the variant is pathogenic, but additional data are needed to prove that conclusively. Therefore, this variant has been classified as Likely Pathogenic.

Literature cited by the submitters: PubMed 17576681; PubMed 9536098.

NM_000019.4(ACAT1):c.940+2dup

Gene: ACAT1 (acetyl-CoA acetyltransferase 1; plus strand). Cytogenetic location: 11q22.3.
Variant type: Duplication.
Coding change: c.940+2dup on transcript NM_000019.4 (MANE Select); the canonical splice donor site of the intron after coding-DNA position 940, one base duplicated (T; older notation c.940+2dupT).
Molecular consequence: splice donor variant.
Genome position (GRCh38, 1-based): chr11:108,142,552, T duplicated. VCF-style (leftmost placement, unchanged base first): chr11-108142551-G-GT. GRCh37 (hg19) VCF-style: chr11-108013278-G-GT.
Other names: c.670+2dup (NM_001386682.1, NM_001386681.1, NM_001386685.1 and 6 more transcripts); c.940+2dup (NM_001386677.1); c.643+2dup (NM_001386679.1); c.625+2dup (NM_001386678.1).
Identifiers: ClinVar variation 1499674 (VCV001499674.6), dbSNP rs2134773243, ClinGen allele CA2573146381.
Genomic context (GRCh38, chr11:108,142,551, plus strand): 5'-TTCTCATGACGGCAGATGCAGCGAAGAGGCTCAATGTTACACCACTGGCAAGAATAGTAG[G>GT]TAAGGCCAGGCGAGGTGGCTCACACCTGTAATCCCAGCACTTTCGGAGGTTGAGGTGGGA-3'